The following is an entry in ClinVar:

NM_014324.6(AMACR):c.364C>T (p.His122Tyr)

Genes: C1QTNF3-AMACR (C1QTNF3-AMACR readthrough (NMD candidate); minus strand), AMACR (alpha-methylacyl-CoA racemase; minus strand). Cytogenetic location: 5p13.2.
Variant type: single nucleotide variant.
Coding change: c.364C>T on transcript NM_014324.6 (MANE Select); coding-DNA position 364, C replaced by T.
Protein change: p.His122Tyr; replaces histidine 122 with tyrosine.
Molecular consequence: missense variant. On other transcripts: non-coding transcript variant (1).
Genome position (GRCh38, 1-based): chr5:34,005,783, G>A on the plus strand (C>T on the coding strand, the complement: AMACR is on the minus strand). VCF-style: chr5-34005783-G-A. GRCh37 (hg19) VCF-style: chr5-34005888-G-A.
Other names: c.364C>T, p.His122Tyr (NM_001167595.2, NM_203382.3); short protein forms H122Y.
Identifiers: ClinVar variation 1396681 (VCV001396681.8), dbSNP rs1279600909, ClinGen allele CA359383672.

ClinVar aggregate classification (germline): Uncertain significance (1 of 4 stars; one submission).

Conditions:
Alpha-methylacyl-CoA racemase deficiency (AMACRD). Also called: AMACR deficiency. Identifiers: Orphanet 79095, MedGen C3280428, MONDO:0013681, OMIM 614307. Disease mechanism: loss of function.

Allele frequency attached by ClinVar (database versions not stated): gnomAD exomes below 0.00001 and 0.00001; TOPMed below 0.00001; gnomAD 0.00001.
gnomAD v4.1: 5 of 1,613,892 alleles (0.00031%); highest among the groups gnomAD compares: African/African-American, 0.0013%; no homozygotes.

Submission:

Labcorp Genetics (formerly Invitae), Labcorp
Classification: Uncertain significance for Alpha-methylacyl-CoA racemase deficiency. Last evaluated: 2022-10-03. Review status: criteria provided, single submitter. Criteria: Invitae Variant Classification Sherloc (09022015). Collection method: clinical testing. Allele origin: germline.
Comment: In summary, the available evidence is currently insufficient to determine the role of this variant in disease. Therefore, it has been classified as a Variant of Uncertain Significance. Advanced modeling of protein sequence and biophysical properties (such as structural, functional, and spatial information, amino acid conservation, physicochemical variation, residue mobility, and thermodynamic stability) performed at Invitae indicates that this missense variant is expected to disrupt AMACR protein function. ClinVar contains an entry for this variant (Variation ID: 1396681). This variant has not been reported in the literature in individuals affected with AMACR-related conditions. The frequency data for this variant in the population databases is considered unreliable, as metrics indicate poor data quality at this position in the gnomAD database. This sequence change replaces histidine, which is basic and polar, with tyrosine, which is neutral and polar, at codon 122 of the AMACR protein (p.His122Tyr).